The following is an entry in ClinVar:

ClinVar aggregate classification (germline): Uncertain significance (1 of 4 stars; one submission).

Conditions:
Neurodevelopmental disorder. Identifiers: MedGen C1535926, MeSH D065886, MONDO:0700092.

Submission:

Victorian Clinical Genetics Services, Murdoch Childrens Research Institute
Classification: Uncertain significance for Neurodevelopmental disorder. Last evaluated: 2024-12-18. Review status: criteria provided, single submitter. Criteria: ACMG Guidelines, 2015. Collection method: clinical testing. Allele origin: germline. Affected: yes.
Comment: This variant is classified as VUS-3B. Evidence in support of pathogenic classification: Variant is absent from gnomAD (v2, v3 and v4). Additional information: Variant is predicted to result in a missense amino acid change from glutamic acid to lysine; This variant is heterozygous; This gene is associated with autosomal dominant disease; Alternative amino acid change(s) at the same position are present in gnomAD (Highest allele count: v4: 2 heterozygote(s), 0 homozygote(s)) ; This variant has no previous evidence of pathogenicity; No published segregation evidence has been identified for this variant; No published functional evidence has been identified for this variant; No comparable missense variants have previous evidence for pathogenicity; Variant is not located in an established domain, motif, hotspot or informative constraint region; Missense variant with inconclusive in silico prediction and uninformative conservation; The mechanism of disease for this gene is not clearly established. However, the expression of human disease-causing variants did not rescue the various phenotypes observed in a knock-out animal model, therefore ruling out gain-of-function as a disease mechanism (PMID: 33980485); Inheritance information for this variant is not currently available in this individual.

Literature cited by the submitters: PubMed 33980485.

NM_003601.4(SMARCA5):c.178G>A (p.Glu60Lys)

Gene: SMARCA5 (SNF2 related chromatin remodeling ATPase 5; plus strand). Cytogenetic location: 4q31.21.
Variant type: single nucleotide variant.
Coding change: c.178G>A on transcript NM_003601.4 (MANE Select); coding-DNA position 178, G replaced by A.
Protein change: p.Glu60Lys; replaces glutamic acid 60 with lysine.
Molecular consequence: missense variant.
Genome position (GRCh38, 1-based): chr4:143,517,355, G>A. VCF-style: chr4-143517355-G-A. GRCh37 (hg19) VCF-style: chr4-144438508-G-A.
Other names: short protein forms E60K.
Identifiers: ClinVar variation 4531929 (VCV004531929.1).
Genomic context (GRCh38, chr4:143,517,355, plus strand): 5'-TATAATGGTATGTTTACTATTTTCGAAGACCAATTCTATTTAATTATTTCTTTCTACCAG[G>A]AAATATTTGATGATGCGTCACCTGGAAAGCAAAAGGAAATCCAAGAACCAGATCCTACCT-3'
Protein context (NP_003592.3, residues 50-70): SAGPADAEME[Glu60Lys]IFDDASPGKQ